The following is an entry in ClinVar:

ClinVar aggregate classification (germline): Likely benign (0 of 4 stars; one submission).

Conditions:
MYCBP2-related disorder. Also called: MYCBP2-related condition.

gnomAD v4.1: 18 of 1,603,402 alleles (0.0011%); highest among the groups gnomAD compares: African/African-American, 0.004%; no homozygotes.

Submission:

PreventionGenetics, part of Exact Sciences
Classification: Likely benign for MYCBP2-related condition. Last evaluated: 2019-05-28. Review status: no assertion criteria provided. Collection method: clinical testing. Allele origin: germline.
Comment: This variant is classified as likely benign based on ACMG/AMP sequence variant interpretation guidelines (Richards et al. 2015 PMID: 25741868, with internal and published modifications).

NM_015057.5(MYCBP2):c.9955-5G>T

Gene: MYCBP2 (MYC binding protein 2; minus strand). Cytogenetic location: 13q22.3.
Variant type: single nucleotide variant.
Coding change: c.9955-5G>T on transcript NM_015057.5 (MANE Select); 5 bases into the intron before coding-DNA position 9955, G replaced by T.
Molecular consequence: intron variant.
Genome position (GRCh38, 1-based): chr13:77,095,607, C>A on the plus strand (G>T on the coding strand, the complement: MYCBP2 is on the minus strand). VCF-style: chr13-77095607-C-A. GRCh37 (hg19) VCF-style: chr13-77669742-C-A.
Identifiers: ClinVar variation 3038519 (VCV003038519.2), dbSNP rs369704783, ClinGen allele CA7008414.